The following is an entry in ClinVar:

ClinVar aggregate classification (germline): Uncertain significance (1 of 4 stars; one submission).

Allele frequency attached by ClinVar (database versions not stated): TOPMed below 0.00001; gnomAD exomes 0.00001.
gnomAD v4.1: 9 of 1,612,722 alleles (0.00056%); highest among the groups gnomAD compares: African/African-American, 0.0013%; no homozygotes.

Submission:

Labcorp Genetics (formerly Invitae), Labcorp
Classification: Uncertain significance. Last evaluated: 2022-03-09. Review status: criteria provided, single submitter. Criteria: Invitae Variant Classification Sherloc (09022015). Collection method: clinical testing. Allele origin: germline.
Comment: This variant has not been reported in the literature in individuals affected with HPS5-related conditions. Algorithms developed to predict the effect of sequence changes on RNA splicing suggest that this variant may disrupt the consensus splice site. In summary, the available evidence is currently insufficient to determine the role of this variant in disease. Therefore, it has been classified as a Variant of Uncertain Significance. This variant is not present in population databases (gnomAD no frequency). This sequence change falls in intron 12 of the HPS5 gene. It does not directly change the encoded amino acid sequence of the HPS5 protein.

NM_181507.2(HPS5):c.1511-13T>G

Gene: HPS5 (HPS5 biogenesis of lysosomal organelles complex 2 subunit 2; minus strand). Cytogenetic location: 11p15.1.
Variant type: single nucleotide variant.
Coding change: c.1511-13T>G on transcript NM_181507.2 (MANE Select); 13 bases into the intron before coding-DNA position 1511, T replaced by G.
Molecular consequence: intron variant.
Genome position (GRCh38, 1-based): chr11:18,296,135, A>C on the plus strand (T>G on the coding strand, the complement: HPS5 is on the minus strand). VCF-style: chr11-18296135-A-C. GRCh37 (hg19) VCF-style: chr11-18317682-A-C.
Other names: c.1097-13T>G (NM_001440929.1, NM_001440928.1, NM_001440927.1); c.1169-13T>G (NM_181508.2, NM_001440921.1, NM_001440926.1 and 7 more transcripts); c.1400-13T>G (NM_001440915.1, NM_001440914.1, NM_001440913.1); c.1511-13T>G (NM_001440931.1, NM_001440917.1, NM_001440906.1 and 5 more transcripts); c.1436-13T>G (NM_001440907.1, NM_001440909.1, NM_001440908.1); c.1298-13T>G (NM_001440919.1); c.1325-13T>G (NM_001440918.1).
Identifiers: ClinVar variation 1897216 (VCV001897216.5), dbSNP rs867272692, ClinGen allele CA218541723.